The following is an entry in ClinVar:

NM_198904.4(GABRG2):c.915A>G (p.Thr305=)

Gene: GABRG2 (gamma-aminobutyric acid type A receptor subunit gamma2; plus strand). Cytogenetic location: 5q34.
Variant type: single nucleotide variant.
Coding change: c.915A>G on transcript NM_198904.4 (MANE Select); coding-DNA position 915, A replaced by G.
Protein change: p.Thr305=; no amino-acid change (threonine 305 retained).
Molecular consequence: synonymous variant.
Genome position (GRCh38, 1-based): chr5:162,142,309, A>G. VCF-style: chr5-162142309-A-G. GRCh37 (hg19) VCF-style: chr5-161569315-A-G.
Other names: c.906A>G, p.Thr302= (NM_001375339.1); c.915A>G, p.Thr305= (NM_001375340.1, NM_000816.3); c.912A>G, p.Thr304= (NM_001375341.1, NM_001375342.1); c.495A>G, p.Thr165= (NM_001375350.1, NM_001375348.1); c.1035A>G, p.Thr345= (NM_198903.2, NM_001375343.1); c.954A>G, p.Thr318= (NM_001375344.1); c.849A>G, p.Thr283= (NM_001375345.1, NM_001375346.1); c.828A>G, p.Thr276= (NM_001375347.1); and 1 more.
Identifiers: ClinVar variation 507715 (VCV000507715.4), dbSNP rs1398214382, ClinGen allele CA447610199.

ClinVar aggregate classification (germline): Likely benign. Review status: criteria provided, multiple submitters, no conflicts (2 of 4 stars). 2 submissions from 2 submitters: Likely benign (2). Last evaluated 2023-01-10.

Conditions:
EPILEPSY, CHILDHOOD ABSENCE, SUSCEPTIBILITY TO, 2 (ECA2). Identifiers: Orphanet 64280, MedGen C1843244, OMIM 607681.
Febrile seizures, familial, 8 (FEB8). Also called: CONVULSIONS, FAMILIAL FEBRILE, 8. Identifiers: Orphanet 36387, MedGen C1969810, MONDO:0011891, OMIM 607681.

Allele frequency attached by ClinVar (database versions not stated): gnomAD exomes below 0.00001.
gnomAD v4.1: 7 of 1,613,976 alleles (0.00043%); highest among the groups gnomAD compares: South Asian, 0.0011%; no homozygotes.

Submissions (2):

Labcorp Genetics (formerly Invitae), Labcorp
Classification: Likely benign for Febrile seizures, familial, 8; EPILEPSY, CHILDHOOD ABSENCE, SUSCEPTIBILITY TO, 2. Last evaluated: 2023-01-10. Review status: criteria provided, single submitter. Criteria: Invitae Variant Classification Sherloc (09022015). Collection method: clinical testing. Allele origin: germline.

GeneDx
Classification: Likely benign. Last evaluated: 2017-02-28. Review status: criteria provided, single submitter. Criteria: GeneDx Variant Classification (06012015). Collection method: clinical testing. Allele origin: germline. Affected: yes.
Comment: This variant is considered likely benign or benign based on one or more of the following criteria: it is a conservative change, it occurs at a poorly conserved position in the protein, it is predicted to be benign by multiple in silico algorithms, and/or has population frequency not consistent with disease.